The following is an entry in ClinVar:

ClinVar aggregate classification (germline): Uncertain significance (1 of 4 stars; one submission).

Allele frequency attached by ClinVar (database versions not stated): gnomAD exomes below 0.00001.
gnomAD v4.1: 1 of 1,613,584 alleles (0.000062%); highest among the groups gnomAD compares: Non-Finnish European, 0.000085%; no homozygotes.

Submission:

Labcorp Genetics (formerly Invitae), Labcorp
Classification: Uncertain significance. Last evaluated: 2020-11-27. Review status: criteria provided, single submitter. Criteria: Invitae Variant Classification Sherloc (09022015). Collection method: clinical testing. Allele origin: germline.
Comment: Algorithms developed to predict the effect of missense changes on protein structure and function (SIFT, PolyPhen-2, Align-GVGD) all suggest that this variant is likely to be tolerated, but these predictions have not been confirmed by published functional studies and their clinical significance is uncertain. This variant has not been reported in the literature in individuals with AP3D1-related conditions. This variant is not present in population databases (ExAC no frequency). This sequence change replaces alanine with valine at codon 1012 of the AP3D1 protein (p.Ala1012Val). The alanine residue is weakly conserved and there is a small physicochemical difference between alanine and valine. In summary, the available evidence is currently insufficient to determine the role of this variant in disease. Therefore, it has been classified as a Variant of Uncertain Significance.

NM_001261826.3(AP3D1):c.3035C>T (p.Ala1012Val)

Gene: AP3D1 (adaptor related protein complex 3 subunit delta 1; minus strand). Cytogenetic location: 19p13.3.
Variant type: single nucleotide variant.
Coding change: c.3035C>T on transcript NM_001261826.3 (MANE Select); coding-DNA position 3035, C replaced by T.
Protein change: p.Ala1012Val; replaces alanine 1012 with valine.
Molecular consequence: missense variant.
Genome position (GRCh38, 1-based): chr19:2,110,847, G>A on the plus strand (C>T on the coding strand, the complement: AP3D1 is on the minus strand). VCF-style: chr19-2110847-G-A. GRCh37 (hg19) VCF-style: chr19-2110846-G-A.
Other names: c.2999C>T, p.Ala1000Val (NM_001374799.1); c.2849C>T, p.Ala950Val (NM_003938.8); short protein forms A1012V, A950V, A1000V.
Identifiers: ClinVar variation 1504272 (VCV001504272.8), dbSNP rs2145016345, ClinGen allele CA403203058.